The following is an entry in ClinVar:

NC_000010.10:g.(56138703_56287571)_(56287638_56423931)dup

Gene: PCDH15 (protocadherin related 15; minus strand). Cytogenetic location: 10q21.1.
Variant type: Duplication.
Identifiers: ClinVar variation 1677092 (VCV001677092.1).

ClinVar aggregate classification (germline): Uncertain significance (1 of 4 stars; one submission).

Submission:

Women's Health and Genetics/Laboratory Corporation of America, LabCorp
Classification: Uncertain significance. Last evaluated: 2022-03-11. Review status: criteria provided, single submitter. Criteria: LabCorp Variant Classification Summary - May 2015. Collection method: clinical testing. Allele origin: germline.
Comment: Variant summary: The variant identified by MLPA or other technology involves the duplication of exon 3 in the PCDH15 gene. A presumed nomenclature of c.(91+1_92-1)_(157+1_158-1)dup has been designated for the purposes of this classification. It has been assumed that this is a tandem duplication in direct orientation (Richardson_GIM_2018, Newman_AJHG_2015). Although exact breakpoints of this duplication are not known, it is expected to result in a in-frame duplication in the PCDH15 gene and predicted as p.Asp31_Asn52dup (Alamut tool). The variant was absent in 21690 control chromosomes (gnomAD SVs, Structural Variants dataset). The available data on variant occurrences in the general population are insufficient to allow any conclusion about variant significance. To our knowledge, no occurrence of c.(91+1_92-1)_(157+1_158-1)dup in individuals affected with Usher Syndrome Type 1F and no experimental evidence demonstrating its impact on protein function have been reported. No clinical diagnostic laboratories have submitted clinical-significance assessments for this variant to ClinVar after 2014. Based on the evidence outlined above, the variant was classified as uncertain significance.